The following is an entry in ClinVar:

NM_000158.4(GBE1):c.1844C>A (p.Ala615Asp)

Gene: GBE1 (1,4-alpha-glucan branching enzyme 1; minus strand). Cytogenetic location: 3p12.2.
Variant type: single nucleotide variant.
Coding change: c.1844C>A on transcript NM_000158.4 (MANE Select); coding-DNA position 1844, C replaced by A.
Protein change: p.Ala615Asp; replaces alanine 615 with aspartic acid.
Molecular consequence: missense variant.
Genome position (GRCh38, 1-based): chr3:81,535,285, G>T on the plus strand (C>A on the coding strand, the complement: GBE1 is on the minus strand). VCF-style: chr3-81535285-G-T. GRCh37 (hg19) VCF-style: chr3-81584436-G-T.
Other names: short protein forms A615D.
Identifiers: ClinVar variation 2151625 (VCV002151625.1), dbSNP rs748968312, ClinGen allele CA2499537.
Genomic context (GRCh38, chr3:81,535,285, plus strand): 5'-TCAGTGTAGCTCTTGCTTGGATGGAAGTTGAAAATGAAAAGAAGACCTGCTCTTTCAAAA[G>T]CAATGATCTTATTGCCTTCATGTTTTTCACTCACGTAGGCCTGCAAGAATTAGCACACAT-3'
Protein context (NP_000149.4, residues 605-625): SEKHEGNKII[Ala615Asp]FERAGLLFIF

ClinVar aggregate classification (germline): Uncertain significance (1 of 4 stars; one submission).

Conditions:
Glycogen storage disease IV, classic hepatic. Also called: GSD IV, CLASSIC HEPATIC. Identifiers: MedGen C1856301.
Glycogen storage disease, type IV (GSD4). Also called: CIRRHOSIS, FAMILIAL, WITH DEPOSITION OF ABNORMAL GLYCOGEN; GBE1 DEFICIENCY; GLYCOGEN BRANCHING ENZYME DEFICIENCY; GLYCOGENOSIS IV; GSD IV; AMYLOPECTINOSIS. Identifiers: Orphanet 367, MedGen C0017923, MONDO:0009292, OMIM 232500.

Allele frequency attached by ClinVar (database versions not stated): gnomAD exomes below 0.00001; TOPMed below 0.00001; ExAC 0.00001; gnomAD 0.00001.
gnomAD v4.1: 7 of 1,610,932 alleles (0.00043%); highest among the groups gnomAD compares: Non-Finnish European, 0.00059%; no homozygotes.

Submission:

Labcorp Genetics (formerly Invitae), Labcorp
Classification: Uncertain significance for Glycogen storage disease, type IV; Glycogen storage disease IV, classic hepatic. Last evaluated: 2021-12-29. Review status: criteria provided, single submitter. Criteria: Invitae Variant Classification Sherloc (09022015). Collection method: clinical testing. Allele origin: germline.
Comment: This sequence change replaces alanine, which is neutral and non-polar, with aspartic acid, which is acidic and polar, at codon 615 of the GBE1 protein (p.Ala615Asp). This variant is present in population databases (rs748968312, gnomAD 0.0009%). This variant has not been reported in the literature in individuals affected with GBE1-related conditions. Advanced modeling of protein sequence and biophysical properties (such as structural, functional, and spatial information, amino acid conservation, physicochemical variation, residue mobility, and thermodynamic stability) performed at Invitae indicates that this missense variant is not expected to disrupt GBE1 protein function. In summary, the available evidence is currently insufficient to determine the role of this variant in disease. Therefore, it has been classified as a Variant of Uncertain Significance.